The following is an entry in ClinVar:

NM_004204.5(PIGQ):c.943-77A>G

Gene: PIGQ (phosphatidylinositol glycan anchor biosynthesis class Q; plus strand). Cytogenetic location: 16p13.3.
Variant type: single nucleotide variant.
Coding change: c.943-77A>G on transcript NM_004204.5 (MANE Select); 77 bases into the intron before coding-DNA position 943, A replaced by G.
Molecular consequence: intron variant.
Genome position (GRCh38, 1-based): chr16:578,302, A>G. VCF-style: chr16-578302-A-G. GRCh37 (hg19) VCF-style: chr16-628302-A-G.
Other names: c.943-77A>G (NM_148920.4).
Identifiers: ClinVar variation 1185512 (VCV001185512.7), dbSNP rs3752568, ClinGen allele CA14235609.

ClinVar aggregate classification (germline): Benign. Review status: criteria provided, multiple submitters, no conflicts (2 of 4 stars). 4 submissions from 4 submitters: Benign (4). Last evaluated 2024-07-31.

Conditions:
Developmental and epileptic encephalopathy, 77. Also called: GLYCOSYLPHOSPHATIDYLINOSITOL BIOSYNTHESIS DEFECT 19; MULTIPLE CONGENITAL ANOMALIES-HYPOTONIA-SEIZURES SYNDROME 4; EPILEPTIC ENCEPHALOPATHY, EARLY INFANTILE, 77. Identifiers: MedGen C5231405, MONDO:0032808, OMIM 618548.

Allele frequency attached by ClinVar (database versions not stated): gnomAD exomes 0.44673; TOPMed 0.45383; gnomAD 0.45471 and 0.46325; 1000 Genomes Project 30x 0.52983; 1000 Genomes Project 0.53215.

Submissions (4):

Unidad de Genómica Garrahan, Hospital de Pediatría Garrahan
Classification: Benign. Last evaluated: 2024-07-31. Review status: criteria provided, single submitter. Criteria: ACMG Guidelines, 2015. Collection method: clinical testing. Allele origin: germline. Affected: no. Observed: 64 variant alleles.
Comment: This variant is classified as Benign based on local population frequency. This variant was detected in 69% of patients studied in a panel designed for Epileptic and Developmental Encephalopathy, Progressive Myoclonus Epilepsy and Abnormal Movements and Neurodegeneration with brain iron accumulation. Number of patients: 64. Only high quality variants are reported.

Genome-Nilou Lab
Classification: Benign for Developmental and epileptic encephalopathy, 77. Last evaluated: 2021-07-14. Review status: criteria provided, single submitter. Criteria: ACMG Guidelines, 2015. Collection method: clinical testing. Allele origin: germline. Affected: no.

GeneDx
Classification: Benign. Last evaluated: 2021-05-14. Review status: criteria provided, single submitter. Criteria: GeneDx Variant Classification Process June 2021. Collection method: clinical testing. Allele origin: germline. Affected: yes.

Breakthrough Genomics
Classification: Benign. Review status: criteria provided, single submitter. Criteria: ACMG Guidelines, 2015. Collection method: not provided. Allele origin: germline. Inheritance: Autosomal recessive inheritance. Affected: yes.